The following is an entry in ClinVar:

ClinVar aggregate classification (germline): Uncertain significance. Review status: criteria provided, multiple submitters, no conflicts (2 of 4 stars). 3 submissions from 3 submitters: Uncertain significance (2). 1 of the submissions does not count toward it. Last evaluated 2022-06-16.

Conditions:
Neuronal ceroid lipofuscinosis 7 (CLN7). Also called: MFSD8-Related Neuronal Ceroid-Lipofuscinosis. Identifiers: Orphanet 168491, Orphanet 228366, MedGen C1838571, MONDO:0012588, OMIM 610951.
Late-infantile neuronal ceroid lipofuscinosis. Also called: Jansky-Bielschowsky disease. Identifiers: MedGen C0022340, MONDO:0015674.

Allele frequency attached by ClinVar (database versions not stated): gnomAD exomes below 0.00001 and 0.00001; ExAC 0.00001; TOPMed 0.00003; gnomAD 0.00006; ESP Exome Variant Server 0.00008.
gnomAD v4.1: 12 of 1,612,068 alleles (0.00074%); highest among the groups gnomAD compares: African/African-American, 0.016%; no homozygotes.

Submissions (3):

Blueprint Genetics
Classification: Uncertain significance. Last evaluated: 2022-06-16. Review status: criteria provided, single submitter. Criteria: ACMG Guidelines, 2015. Collection method: clinical testing. Allele origin: germline.

Labcorp Genetics (formerly Invitae), Labcorp
Classification: Uncertain significance for Neuronal ceroid lipofuscinosis 7. Last evaluated: 2022-03-15. Review status: criteria provided, single submitter. Criteria: Invitae Variant Classification Sherloc (09022015). Collection method: clinical testing. Allele origin: germline.
Comment: This sequence change replaces alanine, which is neutral and non-polar, with valine, which is neutral and non-polar, at codon 230 of the MFSD8 protein (p.Ala230Val). This variant is present in population databases (rs375681665, gnomAD 0.02%). This variant has not been reported in the literature in individuals affected with MFSD8-related conditions. ClinVar contains an entry for this variant (Variation ID: 533371). Algorithms developed to predict the effect of missense changes on protein structure and function output the following: SIFT: "Tolerated"; PolyPhen-2: "Benign"; Align-GVGD: "Class C0". The valine amino acid residue is found in multiple mammalian species, which suggests that this missense change does not adversely affect protein function. In summary, the available evidence is currently insufficient to determine the role of this variant in disease. Therefore, it has been classified as a Variant of Uncertain Significance.

Natera, Inc.
Classification: Uncertain significance for Late-infantile neuronal ceroid lipofuscinosis. Last evaluated: 2019-11-11. Review status: no assertion criteria provided. Collection method: clinical testing. Allele origin: germline. Not counted in ClinVar's aggregate classification.

NM_001371596.2(MFSD8):c.689C>T (p.Ala230Val)

Gene: MFSD8 (major facilitator superfamily domain containing 8; minus strand). Cytogenetic location: 4q28.2.
Variant type: single nucleotide variant.
Coding change: c.689C>T on transcript NM_001371596.2 (MANE Select); coding-DNA position 689, C replaced by T.
Protein change: p.Ala230Val; replaces alanine 230 with valine.
Molecular consequence: missense variant. On other transcripts: intron variant (5).
Genome position (GRCh38, 1-based): chr4:127,939,862, G>A on the plus strand (C>T on the coding strand, the complement: MFSD8 is on the minus strand). VCF-style: chr4-127939862-G-A. GRCh37 (hg19) VCF-style: chr4-128861017-G-A.
Other names: c.554C>T, p.Ala185Val (NM_001371590.2); c.689C>T, p.Ala230Val (NM_001371591.2, NM_152778.4); c.695C>T, p.Ala232Val (NM_001371592.2); c.575C>T, p.Ala192Val (NM_001371593.2, NM_001410766.1); c.419-1026C>T (NM_001371595.1); c.304+3890C>T (NM_001410765.1); c.439+3890C>T (NM_001363521.3); c.553+2183C>T (NM_001363520.3); and 1 more; short protein forms A230V, A185V, A192V, A232V.
Identifiers: ClinVar variation 533371 (VCV000533371.7), dbSNP rs375681665, ClinGen allele CA3077414.